The following is an entry in ClinVar:

ClinVar aggregate classification (germline): Likely benign. Review status: criteria provided, multiple submitters, no conflicts (2 of 4 stars). 3 submissions from 3 submitters: Likely benign (2). 1 of the submissions does not count toward it. Last evaluated 2024-05-31.

Conditions:
Rubinstein-Taybi syndrome due to EP300 haploinsufficiency. Also called: EP300-Related Rubinstein-Taybi Syndrome; RUBINSTEIN-TAYBI SYNDROME 2. Identifiers: Orphanet 353284, Orphanet 783, MedGen C3150941, MONDO:0013364, OMIM 613684.
EP300-related disorder. Also called: EP300-related condition; EP300-related disorders.

Allele frequency attached by ClinVar (database versions not stated): ExAC 0.00002; gnomAD 0.00002; gnomAD exomes 0.00002; TOPMed 0.00002; ESP Exome Variant Server 0.00015.
gnomAD v4.1: 26 of 1,613,690 alleles (0.0016%); highest among the groups gnomAD compares: South Asian, 0.0022%; no homozygotes.

Submissions (3):

Blueprint Genetics
Classification: Likely benign. Last evaluated: 2024-05-31. Review status: criteria provided, single submitter. Criteria: ACMG Guidelines, 2015. Collection method: clinical testing. Allele origin: germline.

Labcorp Genetics (formerly Invitae), Labcorp
Classification: Likely benign for Rubinstein-Taybi syndrome due to EP300 haploinsufficiency. Last evaluated: 2023-07-07. Review status: criteria provided, single submitter. Criteria: Invitae Variant Classification Sherloc (09022015). Collection method: clinical testing. Allele origin: germline.

PreventionGenetics, part of Exact Sciences
Classification: Likely benign for EP300-related condition. Last evaluated: 2021-07-12. Review status: no assertion criteria provided. Collection method: clinical testing. Allele origin: germline. Not counted in ClinVar's aggregate classification.
Comment: This variant is classified as likely benign based on ACMG/AMP sequence variant interpretation guidelines (Richards et al. 2015 PMID: 25741868, with internal and published modifications).

NM_001429.4(EP300):c.5979A>G (p.Pro1993=)

Gene: EP300 (EP300 lysine acetyltransferase; plus strand). Cytogenetic location: 22q13.2.
Variant type: single nucleotide variant.
Coding change: c.5979A>G on transcript NM_001429.4 (MANE Select); coding-DNA position 5979, A replaced by G.
Protein change: p.Pro1993=; no amino-acid change (proline 1993 retained).
Molecular consequence: synonymous variant.
Genome position (GRCh38, 1-based): chr22:41,177,690, A>G. VCF-style: chr22-41177690-A-G. GRCh37 (hg19) VCF-style: chr22-41573694-A-G.
Other names: c.5979A>G (NM_001429.3); c.5901A>G, p.Pro1967= (NM_001362843.2).
Identifiers: ClinVar variation 2152097 (VCV002152097.7), dbSNP rs140403496, ClinGen allele CA10253753.